The following is an entry in ClinVar:

NM_000038.6(APC):c.2612del (p.Gly871fs)

Gene: APC (APC regulator of Wnt signaling pathway; plus strand). Cytogenetic location: 5q22.2.
Variant type: Deletion.
Coding change: c.2612del on transcript NM_000038.6 (MANE Select); coding-DNA position 2612, one base deleted (G; older notation c.2612delG).
Protein change: p.Gly871fs; shifts the reading frame from glycine 871.
Molecular consequence: frameshift variant.
Genome position (GRCh38, 1-based): chr5:112,838,206, G deleted; the last of 2 consecutive G bases (chr5:112,838,205-112,838,206); deleting either gives the same sequence. VCF-style (leftmost placement, unchanged base first): chr5-112838204-AG-A. GRCh37 (hg19) VCF-style: chr5-112173901-AG-A.
Other names: c.2612del, p.Gly871fs (NM_001127510.3, NM_001354895.2); c.2558del, p.Gly853fs (NM_001127511.3); c.2666del, p.Gly889fs (NM_001354896.2); c.2642del, p.Gly881fs (NM_001354897.2); c.2537del, p.Gly846fs (NM_001354898.2); c.2528del, p.Gly843fs (NM_001354899.2); c.2489del, p.Gly830fs (NM_001354900.2); c.2435del, p.Gly812fs (NM_001354901.2); and 5 more; short protein forms G588fs, G745fs, G770fs, G830fs, G846fs, G853fs, G881fs, G711fs.
Identifiers: ClinVar variation 486750 (VCV000486750.6), dbSNP rs1554084299, ClinGen allele CA658655981.

ClinVar aggregate classification (germline): Pathogenic. Review status: criteria provided, single submitter (1 of 4 stars). 2 submissions from 2 submitters: Pathogenic (1). 1 of the submissions does not count toward it. Last evaluated 2017-08-21.

Conditions:
Hereditary cancer-predisposing syndrome. Also called: Hereditary neoplastic syndrome; Hereditary Cancer Syndrome; Tumor predisposition; Neoplastic Syndromes, Hereditary. Identifiers: Orphanet 140162, MedGen C0027672, MeSH D009386, MONDO:0015356.
Carcinoma of colon (CRC). Also called: Colon carcinoma; Colonic carcinoma. Identifiers: MedGen C0699790, MONDO:0002032.

Submissions (2):

Ambry Genetics
Classification: Pathogenic for Hereditary cancer-predisposing syndrome. Last evaluated: 2017-08-21. Review status: criteria provided, single submitter. Criteria: Ambry Variant Classification Scheme 2023. Collection method: clinical testing. Allele origin: germline.
Comment: The c.2612delG pathogenic mutation, located in coding exon 15 of the APC gene, results from a deletion of one nucleotide at nucleotide position 2612, causing a translational frameshift with a predicted alternate stop codon (p.G871Efs*45). This mutation has been reported in two individuals with clinical features of familial adenomatous polyposis (Gebert JF et al. Ann. Surg. 1999 Mar;229:350-61; Friedl W et al. Hered. Cancer Clin. Pract. 2005 Sep;3:95-114). In addition to the clinical data presented in the literature, this alteration is expected to result in loss of function by premature protein truncation. As such, this alteration is interpreted as a disease-causing mutation.

Department of Pathology and Laboratory Medicine, Sinai Health System
Classification: Pathogenic for Carcinoma of colon. Review status: no assertion criteria provided. Collection method: clinical testing. Allele origin: unknown. Affected: yes. Study: The Canadian Open Genetics Repository (COGR). Not counted in ClinVar's aggregate classification.
Comment: The APC p.Gly871Glufs*45 variant was identified in 2 of 2502 proband chromosomes (frequency: 0.0008) from individuals or families with FAP (Friedl 2005, Gebert 1999). This variant was also reported in a patient with FAP as the causative variant (Mayer 2009). The variant was also identified in ClinVar (1x as pathogenic by Ambry Genetics) and LOVD 3.0 (2x as pathogenic). The variant was not identified in dbSNP, Cosmic, MutDB, UMD-LSDB, databases. The variant was not identified in the following control databases: the 1000 Genomes Project, the NHLBI GO Exome Sequencing Project, the Exome Aggregation Consortium (August 8th 2016), or the Genome Aggregation Database (Feb 27, 2017). The c.2612del variant is predicted to cause a frameshift, which alters the protein's amino acid sequence beginning at codon 871 and leads to a premature stop codon 45 codons downstream. This alteration is then predicted to result in a truncated or absent protein and loss of function. Loss of function variants of the APC gene are an established mechanism of disease in familial adenomatous polyposis (FAP) and is the type of variant expected to cause the disorder. In summary, based on the above information this variant meets our laboratoryâ€šÃ„Ã´s criteria to be classified as pathogenic.

Literature cited by the submitters: PubMed 10077047 (cited by Ambry Genetics); PubMed 20223039 (cited by Ambry Genetics).